The following is an entry in ClinVar:

NM_000821.7(GGCX):c.1355G>C (p.Ser452Thr)

Gene: GGCX (gamma-glutamyl carboxylase; minus strand). Cytogenetic location: 2p11.2.
Variant type: single nucleotide variant.
Coding change: c.1355G>C on transcript NM_000821.7 (MANE Select); coding-DNA position 1355, G replaced by C.
Protein change: p.Ser452Thr; replaces serine 452 with threonine.
Molecular consequence: missense variant.
Genome position (GRCh38, 1-based): chr2:85,552,500, C>G on the plus strand (G>C on the coding strand, the complement: GGCX is on the minus strand). VCF-style: chr2-85552500-C-G. GRCh37 (hg19) VCF-style: chr2-85779623-C-G.
Other names: c.1184G>C, p.Ser395Thr (NM_001142269.4); short protein forms S452T, S395T.
Identifiers: ClinVar variation 896482 (VCV000896482.7), dbSNP rs144429522, ClinGen allele CA1741837.

ClinVar aggregate classification (germline): Uncertain significance. Review status: criteria provided, multiple submitters, no conflicts (2 of 4 stars). 3 submissions from 3 submitters: Uncertain significance (3). Last evaluated 2026-02-10.

Conditions:
Vitamin K-dependent clotting factors, combined deficiency of, type 1. Also called: FACTORS II, VII, IX, AND X, COMBINED DEFICIENCY OF; FAMILIAL MULTIPLE COAGULATION FACTOR DEFICIENCY III; FMFD III; GLUTAMIC ACID, DEFICIENT GAMMA-CARBOXYLATION OF; MULTIPLE COAGULATION FACTOR DEFICIENCY III; VITAMIN K-DEPENDENT COAGULATION DEFECT. Identifiers: Orphanet 98434, MedGen C1848534, MONDO:0010187, OMIM 277450.

Allele frequency attached by ClinVar (database versions not stated): ExAC 0.00023; ESP Exome Variant Server 0.00023; gnomAD exomes 0.00023 and 0.00041; TOPMed 0.00026; 1000 Genomes Project 30x 0.00031; gnomAD 0.00031; 1000 Genomes Project 0.00040.
gnomAD v4.1: 644 of 1,613,870 alleles (0.04%); highest among the groups gnomAD compares: Non-Finnish European, 0.051%; no homozygotes.

Submissions (3):

GeneDx
Classification: Uncertain significance. Last evaluated: 2026-02-10. Review status: criteria provided, single submitter. Criteria: GeneDx Variant Classification Process June 2021. Collection method: clinical testing. Allele origin: germline.
Comment: Reported in a proband with pseudoxanthoma elasticum; however, additional clinical information was not provided (PMID: 20075945); In silico analysis suggests that this missense variant does not alter protein structure/function; This variant is associated with the following publications: (PMID: 20075945)

Labcorp Genetics (formerly Invitae), Labcorp
Classification: Uncertain significance. Last evaluated: 2022-08-19. Review status: criteria provided, single submitter. Criteria: Invitae Variant Classification Sherloc (09022015). Collection method: clinical testing. Allele origin: germline.
Comment: This sequence change replaces serine, which is neutral and polar, with threonine, which is neutral and polar, at codon 452 of the GGCX protein (p.Ser452Thr). This variant is present in population databases (rs144429522, gnomAD 0.04%). This missense change has been observed in individual(s) with pseudoxanthoma elasticum (PMID: 20075945). ClinVar contains an entry for this variant (Variation ID: 896482). Algorithms developed to predict the effect of missense changes on protein structure and function (SIFT, PolyPhen-2, Align-GVGD) all suggest that this variant is likely to be tolerated. In summary, the available evidence is currently insufficient to determine the role of this variant in disease. Therefore, it has been classified as a Variant of Uncertain Significance.

Illumina Laboratory Services, Illumina
Classification: Uncertain significance for Vitamin K-dependent clotting factors, combined deficiency of, type 1. Last evaluated: 2017-04-28. Review status: criteria provided, single submitter. Criteria: ICSL Variant Classification Criteria 13 December 2019. Collection method: clinical testing. Allele origin: germline.
Comment: This variant was observed as part of a predisposition screen in an ostensibly healthy population. A literature search was performed for the gene, cDNA change, and amino acid change (where applicable). Publications were found based on this search. However, the evidence from the literature, in combination with allele frequency data from public databases where available, was not sufficient to rule this variant in or out of causing disease. Therefore, this variant is classified as a variant of unknown significance.

Literature cited by the submitters: PubMed 20075945 (cited by Labcorp Genetics (formerly Invitae), Labcorp and Illumina Laboratory Services, Illumina).